The following is an entry in ClinVar:

ClinVar aggregate classification (germline): Uncertain significance. Review status: criteria provided, multiple submitters, no conflicts (2 of 4 stars). 2 submissions from 2 submitters: Uncertain significance (2). Last evaluated 2025-12-16.

Conditions:
Inborn genetic diseases. Identifiers: MedGen C0950123, MeSH D030342.
Myopathy, proximal, and ophthalmoplegia (CMYO6). Also called: INCLUSION BODY MYOPATHY 3, AUTOSOMAL DOMINANT; CONGENITAL MYOPATHY 6 WITH OPHTHALMOPLEGIA; MYOPATHY WITH CONGENITAL JOINT CONTRACTURES, OPHTHALMOPLEGIA, AND RIMMED VACUOLES. Identifiers: Orphanet 363677, Orphanet 79091, MedGen C1854106, MONDO:0011577, OMIM 605637.

Allele frequency attached by ClinVar (database versions not stated): gnomAD exomes 0.00001 and 0.00002; TOPMed 0.00001; ExAC 0.00002.

Submissions (2):

Labcorp Genetics (formerly Invitae), Labcorp
Classification: Uncertain significance for Myopathy, proximal, and ophthalmoplegia. Last evaluated: 2025-12-16. Review status: criteria provided, single submitter. Criteria: Invitae Variant Classification Sherloc (09022015). Collection method: clinical testing. Allele origin: germline.
Comment: This sequence change replaces methionine, which is neutral and non-polar, with threonine, which is neutral and polar, at codon 1180 of the MYH2 protein (p.Met1180Thr). This variant is present in population databases (rs765925366, gnomAD 0.01%). This variant has not been reported in the literature in individuals affected with MYH2-related conditions. ClinVar contains an entry for this variant (Variation ID: 1007153). Invitae Evidence Modeling of protein sequence and biophysical properties (such as structural, functional, and spatial information, amino acid conservation, physicochemical variation, residue mobility, and thermodynamic stability) indicates that this missense variant is expected to disrupt MYH2 protein function with a positive predictive value of 80%. In summary, the available evidence is currently insufficient to determine the role of this variant in disease. Therefore, it has been classified as a Variant of Uncertain Significance.

Ambry Genetics
Classification: Uncertain significance for Inborn genetic diseases. Last evaluated: 2023-05-31. Review status: criteria provided, single submitter. Criteria: Ambry Variant Classification Scheme 2023. Collection method: clinical testing. Allele origin: germline.

NM_017534.6(MYH2):c.3539T>C (p.Met1180Thr)

Genes: MYH2 (myosin heavy chain 2; minus strand), MYHAS (myosin heavy chain gene cluster antisense RNA; plus strand). Cytogenetic location: 17p13.1.
Variant type: single nucleotide variant.
Coding change: c.3539T>C on transcript NM_017534.6 (MANE Select); coding-DNA position 3539, T replaced by C.
Protein change: p.Met1180Thr; replaces methionine 1180 with threonine.
Molecular consequence: missense variant.
Genome position (GRCh38, 1-based): chr17:10,528,895, A>G on the plus strand (T>C on the coding strand, the complement: MYH2 is on the minus strand). VCF-style: chr17-10528895-A-G. GRCh37 (hg19) VCF-style: chr17-10432212-A-G.
Other names: c.3539T>C (NM_017534.5); c.3539T>C, p.Met1180Thr (NM_001100112.2); short protein forms M1180T.
Identifiers: ClinVar variation 1007153 (VCV001007153.7), dbSNP rs765925366, ClinGen allele CA8390871.